The following is an entry in ClinVar:

NM_012268.4(PLD3):c.1238G>A (p.Arg413His)

Gene: PLD3 (phospholipase D family member 3; plus strand). Cytogenetic location: 19q13.2.
Variant type: single nucleotide variant.
Coding change: c.1238G>A on transcript NM_012268.4 (MANE Select); coding-DNA position 1238, G replaced by A.
Protein change: p.Arg413His; replaces arginine 413 with histidine.
Molecular consequence: missense variant.
Genome position (GRCh38, 1-based): chr19:40,377,838, G>A. VCF-style: chr19-40377838-G-A. GRCh37 (hg19) VCF-style: chr19-40883745-G-A.
Other names: c.1238G>A, p.Arg413His (NM_001031696.4, NM_001291311.2); short protein forms R413H.
Identifiers: ClinVar variation 3890107 (VCV003890107.2).

ClinVar aggregate classification (germline): Uncertain significance. Review status: criteria provided, multiple submitters, no conflicts (2 of 4 stars). 2 submissions from 2 submitters: Uncertain significance (2). Last evaluated 2025-06-24.

gnomAD v4.1: 70 of 1,613,818 alleles (0.0043%); highest among the groups gnomAD compares: Admixed American, 0.023%; no homozygotes.

Submissions (2):

Labcorp Genetics (formerly Invitae), Labcorp
Classification: Uncertain significance. Last evaluated: 2025-06-24. Review status: criteria provided, single submitter. Criteria: Invitae Variant Classification Sherloc (09022015). Collection method: clinical testing. Allele origin: germline.
Comment: This sequence change replaces arginine, which is basic and polar, with histidine, which is basic and polar, at codon 413 of the PLD3 protein (p.Arg413His). This variant is present in population databases (rs763290183, gnomAD 0.03%). This variant has not been reported in the literature in individuals affected with PLD3-related conditions. ClinVar contains an entry for this variant (Variation ID: 3890107). An algorithm developed to predict the effect of missense changes on protein structure and function (PolyPhen-2) suggests that this variant is likely to be disruptive. In summary, the available evidence is currently insufficient to determine the role of this variant in disease. Therefore, it has been classified as a Variant of Uncertain Significance.

Ambry Genetics
Classification: Uncertain significance. Last evaluated: 2024-12-14. Review status: criteria provided, single submitter. Criteria: Ambry Variant Classification Scheme 2023. Collection method: clinical testing. Allele origin: germline.